The following is an entry in ClinVar:

ClinVar aggregate classification (germline): Pathogenic. Review status: reviewed by expert panel (3 of 4 stars). 2 submissions from 2 submitters: Pathogenic (1). 1 of the submissions does not count toward it. Last evaluated 2017-12-15.

Conditions:
Breast-ovarian cancer, familial, susceptibility to, 2 (BROVCA2). Also called: BRCA2 Hereditary Breast and Ovarian Cancer. Identifiers: Orphanet 145, MedGen C2675520, MONDO:0012933, OMIM 612555. Disease mechanism: loss of function.
Hereditary cancer-predisposing syndrome. Also called: Hereditary Cancer Syndrome; Hereditary neoplastic syndrome; Tumor predisposition; Neoplastic Syndromes, Hereditary. Identifiers: Orphanet 140162, MedGen C0027672, MeSH D009386, MONDO:0015356.

Submissions (2):

Evidence-based Network for the Interpretation of Germline Mutant Alleles (ENIGMA)
Classification: Pathogenic for Breast-ovarian cancer, familial, susceptibility to, 2. Last evaluated: 2017-12-15. Review status: reviewed by expert panel. Criteria: ENIGMA BRCA1/2 Classification Criteria (2017-06-29). Collection method: curation. Allele origin: germline. Study: ENIGMA.
Comment: Variant allele predicted to encode a truncated non-functional protein.

Ambry Genetics
Classification: Pathogenic for Hereditary cancer-predisposing syndrome. Last evaluated: 2016-07-20. Review status: criteria provided, single submitter. Criteria: Ambry Variant Classification Scheme 2023. Collection method: clinical testing. Allele origin: germline. Not counted in ClinVar's aggregate classification.
Comment: The c.1696delA pathogenic mutation, located in coding exon 9 of the BRCA2 gene, results from a deletion of one nucleotide at nucleotide position 1696, causing a translational frameshift with a predicted alternate stop codon (p.T566Pfs*7). This alteration is expected to result in loss of function by premature protein truncation or nonsense-mediated mRNA decay. As such, this alteration is interpreted as a disease-causing mutation.

NM_000059.4(BRCA2):c.1696del (p.Thr566fs)

Gene: BRCA2 (BRCA2 DNA repair associated; plus strand). Cytogenetic location: 13q13.1.
Variant type: Deletion.
Coding change: c.1696del on transcript NM_000059.4 (MANE Select); coding-DNA position 1696, one base deleted (A; older notation c.1696delA).
Protein change: p.Thr566fs; shifts the reading frame from threonine 566.
Molecular consequence: frameshift variant.
Genome position (GRCh38, 1-based): chr13:32,333,174, A deleted. VCF-style (leftmost placement, unchanged base first): chr13-32333173-CA-C. GRCh37 (hg19) VCF-style: chr13-32907310-CA-C.
Other names: c.1696delA (NM_000059.3); short protein forms T566fs.
Identifiers: ClinVar variation 441479 (VCV000441479.5), dbSNP rs1555282016, ClinGen allele CA658653659.